The following is an entry in ClinVar:

ClinVar aggregate classification (germline): Uncertain significance (1 of 4 stars; one submission).

Submission:

GeneDx
Classification: Uncertain significance. Last evaluated: 2025-07-22. Review status: criteria provided, single submitter. Criteria: GeneDx Variant Classification Process June 2021. Collection method: clinical testing. Allele origin: germline.
Comment: Not observed at significant frequency in large population cohorts (gnomAD); In silico analysis suggests that this missense variant does not alter protein structure/function; Has not been previously published as pathogenic or benign to our knowledge

NM_001394998.1(TANC2):c.934A>G (p.Ser312Gly)

Gene: TANC2 (tetratricopeptide repeat, ankyrin repeat and coiled-coil containing 2; plus strand). Cytogenetic location: 17q23.3.
Variant type: single nucleotide variant.
Coding change: c.934A>G on transcript NM_001394998.1 (MANE Select); coding-DNA position 934, A replaced by G.
Protein change: p.Ser312Gly; replaces serine 312 with glycine.
Molecular consequence: missense variant.
Genome position (GRCh38, 1-based): chr17:63,237,978, A>G. VCF-style: chr17-63237978-A-G. GRCh37 (hg19) VCF-style: chr17-61315339-A-G.
Other names: c.712A>G, p.Ser238Gly (NM_001411076.1, NM_025185.4); short protein forms S238G, S312G.
Identifiers: ClinVar variation 3367552 (VCV003367552.2).